The following is an entry in ClinVar:

NM_000092.5(COL4A4):c.4049C>T (p.Pro1350Leu)

Gene: COL4A4 (collagen type IV alpha 4 chain; minus strand). Cytogenetic location: 2q36.3.
Variant type: single nucleotide variant.
Coding change: c.4049C>T on transcript NM_000092.5 (MANE Select); coding-DNA position 4049, C replaced by T.
Protein change: p.Pro1350Leu; replaces proline 1350 with leucine.
Molecular consequence: missense variant.
Genome position (GRCh38, 1-based): chr2:227,027,934, G>A on the plus strand (C>T on the coding strand, the complement: COL4A4 is on the minus strand). VCF-style: chr2-227027934-G-A. GRCh37 (hg19) VCF-style: chr2-227892650-G-A.
Other names: short protein forms P1350L.
Identifiers: ClinVar variation 554316 (VCV000554316.6), dbSNP rs771916354, ClinGen allele CA2144346.

ClinVar aggregate classification (germline): Uncertain significance. Review status: criteria provided, multiple submitters, no conflicts (2 of 4 stars). 4 submissions from 4 submitters: Uncertain significance (3). 1 of the submissions does not count toward it. Last evaluated 2025-10-20.

Conditions:
Inborn genetic diseases. Identifiers: MedGen C0950123, MeSH D030342.
Autosomal recessive Alport syndrome (ATS2). Also called: ALPORT SYNDROME 2, AUTOSOMAL RECESSIVE; Alport syndrome type 2; COL4A3-Related Nephropathy; COL4A4 Alport Syndrome and Thin Basement Membrane Nephropathy. Identifiers: Orphanet 63, Orphanet 88919, MedGen C4746745, MONDO:0008762, OMIM 203780.

Allele frequency attached by ClinVar (database versions not stated): gnomAD exomes below 0.00001; TOPMed below 0.00001; ExAC 0.00001; gnomAD 0.00001.
gnomAD v4.1: 3 of 1,613,830 alleles (0.00019%); highest among the groups gnomAD compares: Non-Finnish European, 0.00025%; no homozygotes.

Submissions (4):

Women's Health and Genetics/Laboratory Corporation of America, LabCorp
Classification: Uncertain significance. Last evaluated: 2025-10-20. Review status: criteria provided, single submitter. Criteria: LabCorp Variant Classification Summary - May 2015. Collection method: clinical testing. Allele origin: germline.
Comment: Variant summary: COL4A4 c.4049C>T (p.Pro1350Leu) results in a non-conservative amino acid change in the encoded protein sequence. Algorithms developed to predict the effect of missense changes on protein structure and function are either unavailable or do not agree on the potential impact of this missense change. The variant allele was found at a frequency of 4e-06 in 249346 control chromosomes. The available data on variant occurrences in the general population are insufficient to allow any conclusion about variant significance. To our knowledge, no occurrence of c.4049C>T in individuals affected with COL4A4-related conditions and no experimental evidence demonstrating its impact on protein function have been reported. ClinVar contains an entry for this variant (Variation ID: 554316). Based on the evidence outlined above, the variant was classified as uncertain significance.

Ambry Genetics
Classification: Uncertain significance for Inborn genetic diseases. Last evaluated: 2025-08-09. Review status: criteria provided, single submitter. Criteria: Ambry Variant Classification Scheme 2023. Collection method: clinical testing. Allele origin: germline.

Labcorp Genetics (formerly Invitae), Labcorp
Classification: Uncertain significance. Last evaluated: 2025-01-23. Review status: criteria provided, single submitter. Criteria: Invitae Variant Classification Sherloc (09022015). Collection method: clinical testing. Allele origin: germline.
Comment: This sequence change replaces proline, which is neutral and non-polar, with leucine, which is neutral and non-polar, at codon 1350 of the COL4A4 protein (p.Pro1350Leu). This variant is present in population databases (rs771916354, gnomAD 0.0009%). This variant has not been reported in the literature in individuals affected with COL4A4-related conditions. ClinVar contains an entry for this variant (Variation ID: 554316). Invitae Evidence Modeling of protein sequence and biophysical properties (such as structural, functional, and spatial information, amino acid conservation, physicochemical variation, residue mobility, and thermodynamic stability) indicates that this missense variant is not expected to disrupt COL4A4 protein function with a negative predictive value of 95%. In summary, the available evidence is currently insufficient to determine the role of this variant in disease. Therefore, it has been classified as a Variant of Uncertain Significance.

Counsyl
Classification: Uncertain significance for Autosomal recessive Alport syndrome. Last evaluated: 2017-10-16. Review status: no assertion criteria provided. Collection method: clinical testing. Allele origin: unknown. Not counted in ClinVar's aggregate classification.